The following is an entry in ClinVar:

NM_144599.5(NIPA1):c.*1981A>G

Gene: NIPA1 (NIPA magnesium transporter 1; plus strand). Cytogenetic location: 15q11.2.
Variant type: single nucleotide variant.
Coding change: c.*1981A>G on transcript NM_144599.5 (MANE Select); 1981 bases downstream of the stop codon, A replaced by G.
Molecular consequence: 3 prime UTR variant.
Genome position (GRCh38, 1-based): chr15:22,826,220, A>G. VCF-style: chr15-22826220-A-G. GRCh37 (hg19) VCF-style: chr15-23046848-T-C.
Other names: c.*1981A>G (NM_001142275.1).
Identifiers: ClinVar variation 315389 (VCV000315389.6), dbSNP rs6606822, ClinGen allele CA10635688.

ClinVar aggregate classification (germline): Benign. Review status: criteria provided, multiple submitters, no conflicts (2 of 4 stars). 2 submissions from 2 submitters: Benign (2). Last evaluated 2018-01-13.

Conditions:
Hereditary spastic paraplegia 6 (SPG6). Also called: SPASTIC PARAPLEGIA 6, AUTOSOMAL DOMINANT. Identifiers: Orphanet 100988, MedGen C1838192, MONDO:0010878, OMIM 600363.

Allele frequency attached by ClinVar (database versions not stated): gnomAD 0.99970 and 0.99972; TOPMed 0.99996; 1000 Genomes Project 1.00000; 1000 Genomes Project 30x 1.00000.

Submissions (2):

Illumina Laboratory Services, Illumina
Classification: Benign for Hereditary spastic paraplegia 6. Last evaluated: 2018-01-13. Review status: criteria provided, single submitter. Criteria: ICSL Variant Classification Criteria 13 December 2019. Collection method: clinical testing. Allele origin: germline.
Comment: This variant was observed in the ICSL laboratory as part of a predisposition screen in an ostensibly healthy population. It had not been previously curated by ICSL or reported in the Human Gene Mutation Database (HGMD: prior to June 1st, 2018), and was therefore a candidate for classification through an automated scoring system. Utilizing variant allele frequency, disease prevalence and penetrance estimates, and inheritance mode, an automated score was calculated to assess if this variant is too frequent to cause the disease. Based on the score and internal cut-off values, a variant classified as benign is not then subjected to further curation. The score for this variant resulted in a classification of benign for this disease.

Breakthrough Genomics
Classification: Benign. Review status: criteria provided, single submitter. Criteria: ACMG Guidelines, 2015. Collection method: not provided. Allele origin: germline. Inheritance: Autosomal dominant inheritance. Affected: yes.